The following is an entry in ClinVar:

ClinVar aggregate classification (germline): Uncertain significance (1 of 4 stars; one submission).

Conditions:
Intellectual developmental disorder, X-linked 114. Identifiers: MedGen C5974891, MONDO:0975828, OMIM 301134.

Submission:

3billion
Classification: Uncertain significance for Intellectual developmental disorder, X-linked 114. Last evaluated: 2025-12-01. Review status: criteria provided, single submitter. Criteria: ACMG Guidelines, 2015. Collection method: clinical testing. Allele origin: germline. Affected: yes.
Comment: The variant is not observed in the gnomAD v4.1.0 dataset. Predicted Consequence/Location: Missense variant In silico tool predictions suggest damaging effect of the variant on gene or gene product [REVEL: 0.74 (>=0.6, sensitivity 0.68 and specificity 0.92)]. Different missense changes at the same codon have been reported as of uncertain significance (ClinVar ID: VCV002402781). Therefore, this variant is classified as VUS according to the recommendation of ACMG/AMP guideline.

NM_014370.4(SRPK3):c.256G>T (p.Gly86Cys)

Gene: SRPK3 (SRSF protein kinase 3; plus strand). Cytogenetic location: Xq28.
Variant type: single nucleotide variant.
Coding change: c.256G>T on transcript NM_014370.4 (MANE Select); coding-DNA position 256, G replaced by T.
Protein change: p.Gly86Cys; replaces glycine 86 with cysteine.
Molecular consequence: missense variant.
Genome position (GRCh38, 1-based): chrX:153,781,570, G>T. VCF-style: chrX-153781570-G-T. GRCh37 (hg19) VCF-style: chrX-153047025-G-T.
Other names: c.256G>T, p.Gly86Cys (NM_001170760.2, NM_001170761.2); short protein forms G86C.
Identifiers: ClinVar variation 4853977 (VCV004853977.1).